The following is an entry in ClinVar:

NM_005751.5(AKAP9):c.8120G>C (p.Ser2707Thr)

Gene: AKAP9 (A-kinase anchoring protein 9; plus strand). Cytogenetic location: 7q21.2.
Variant type: single nucleotide variant.
Coding change: c.8120G>C on transcript NM_005751.5 (MANE Select); coding-DNA position 8120, G replaced by C.
Protein change: p.Ser2707Thr; replaces serine 2707 with threonine.
Molecular consequence: missense variant.
Genome position (GRCh38, 1-based): chr7:92,082,622, G>C. VCF-style: chr7-92082622-G-C. GRCh37 (hg19) VCF-style: chr7-91711936-G-C.
Other names: c.2765G>C, p.Ser922Thr (NM_001379277.1); c.8096G>C, p.Ser2699Thr (NM_147185.3); short protein forms S2707T, S922T, S2699T.
Identifiers: ClinVar variation 2513192 (VCV002513192.4), dbSNP rs1563110498, ClinGen allele CA368137392.

ClinVar aggregate classification (germline): Uncertain significance. Review status: criteria provided, multiple submitters, no conflicts (2 of 4 stars). 2 submissions from 2 submitters: Uncertain significance (2). Last evaluated 2025-12-16.

Conditions:
Cardiovascular phenotype. Identifiers: MedGen CN230736.
Long QT syndrome (LQTS). Identifiers: MedGen C0023976, MeSH D008133, MONDO:0002442. Disease mechanism: loss of function. Inheritance: Various modes of inheritance.

gnomAD v4.1: 1 of 1,613,876 alleles (0.000062%); highest among the groups gnomAD compares: African/African-American, 0.0013%; no homozygotes.

Submissions (2):

Labcorp Genetics (formerly Invitae), Labcorp
Classification: Uncertain significance for Long QT syndrome. Last evaluated: 2025-12-16. Review status: criteria provided, single submitter. Criteria: Invitae Variant Classification Sherloc (09022015). Collection method: clinical testing. Allele origin: germline.
Comment: This sequence change replaces serine, which is neutral and polar, with threonine, which is neutral and polar, at codon 2707 of the AKAP9 protein (p.Ser2707Thr). This variant is not present in population databases (gnomAD no frequency). This variant has not been reported in the literature in individuals affected with AKAP9-related conditions. ClinVar contains an entry for this variant (Variation ID: 2513192). An algorithm developed to predict the effect of missense changes on protein structure and function outputs the following: PolyPhen-2: "Benign". The threonine amino acid residue is found in multiple mammalian species, which suggests that this missense change does not adversely affect protein function. In summary, the available evidence is currently insufficient to determine the role of this variant in disease. Therefore, it has been classified as a Variant of Uncertain Significance.

Ambry Genetics
Classification: Uncertain significance for Cardiovascular phenotype. Last evaluated: 2024-06-14. Review status: criteria provided, single submitter. Criteria: Ambry Variant Classification Scheme 2023. Collection method: clinical testing. Allele origin: germline.
Comment: The p.S2707T variant (also known as c.8120G>C), located in coding exon 32 of the AKAP9 gene, results from a G to C substitution at nucleotide position 8120. The serine at codon 2707 is replaced by threonine, an amino acid with similar properties. This amino acid position is conserved. In addition, this alteration is predicted to be tolerated by in silico analysis. Based on the available evidence, the clinical significance of this variant remains unclear.